The following is an entry in ClinVar:

NM_182914.3(SYNE2):c.8911C>G (p.Gln2971Glu)

Gene: SYNE2 (spectrin repeat containing nuclear envelope protein 2; plus strand). Cytogenetic location: 14q23.2.
Variant type: single nucleotide variant.
Coding change: c.8911C>G on transcript NM_182914.3 (MANE Select); coding-DNA position 8911, C replaced by G.
Protein change: p.Gln2971Glu; replaces glutamine 2971 with glutamic acid.
Molecular consequence: missense variant.
Genome position (GRCh38, 1-based): chr14:64,052,824, C>G. VCF-style: chr14-64052824-C-G. GRCh37 (hg19) VCF-style: chr14-64519542-C-G.
Other names: c.8911C>G, p.Gln2971Glu (NM_015180.6); short protein forms Q2971E.
Identifiers: ClinVar variation 197606 (VCV000197606.47), dbSNP rs200909650, ClinGen allele CA245857.

ClinVar aggregate classification (germline): Conflicting classifications of pathogenicity. Review status: criteria provided, conflicting classifications (1 of 4 stars). 7 submissions from 7 submitters: Uncertain significance (3); Benign (2); Likely benign (2). Last evaluated 2025-11-28.

Conditions:
Emery-Dreifuss muscular dystrophy 5, autosomal dominant (EDMD5). Also called: EMERY-DREIFUSS MUSCULAR DYSTROPHY 5. Identifiers: Orphanet 261, MedGen C2751805, MONDO:0013072, OMIM 612999.

Allele frequency attached by ClinVar (database versions not stated): TOPMed 0.00013; gnomAD 0.00014 and 0.00015; gnomAD exomes 0.00015 and 0.00019; ExAC 0.00016; ESP Exome Variant Server 0.00059.
gnomAD v4.1: 305 of 1,612,652 alleles (0.019%); highest among the groups gnomAD compares: Non-Finnish European, 0.024%; no homozygotes.

Submissions (7):

Labcorp Genetics (formerly Invitae), Labcorp
Classification: Uncertain significance for Emery-Dreifuss muscular dystrophy 5, autosomal dominant. Last evaluated: 2025-11-28. Review status: criteria provided, single submitter. Criteria: Invitae Variant Classification Sherloc (09022015). Collection method: clinical testing. Allele origin: germline.
Comment: This sequence change replaces glutamine, which is neutral and polar, with glutamic acid, which is acidic and polar, at codon 2971 of the SYNE2 protein (p.Gln2971Glu). This variant is present in population databases (rs200909650, gnomAD 0.03%), and has an allele count higher than expected for a pathogenic variant. This variant has not been reported in the literature in individuals affected with SYNE2-related conditions. ClinVar contains an entry for this variant (Variation ID: 197606). An algorithm developed to predict the effect of missense changes on protein structure and function outputs the following: PolyPhen-2: "Benign". The glutamic acid amino acid residue is found in multiple mammalian species, which suggests that this missense change does not adversely affect protein function. In summary, the available evidence is currently insufficient to determine the role of this variant in disease. Therefore, it has been classified as a Variant of Uncertain Significance.

Laboratory of Genetics, Children's Clinical University Hospital Latvia
Classification: Benign. Last evaluated: 2025-02-16. Review status: criteria provided, single submitter. Criteria: ACMG Guidelines, 2015. Collection method: clinical testing. Allele origin: germline. Affected: yes.

Ambry Genetics
Classification: Uncertain significance. Last evaluated: 2024-03-04. Review status: criteria provided, single submitter. Criteria: Ambry Variant Classification Scheme 2023. Collection method: clinical testing. Allele origin: germline.

Revvity Omics, Revvity
Classification: Likely benign for Emery-Dreifuss muscular dystrophy 5, autosomal dominant. Last evaluated: 2023-09-26. Review status: criteria provided, single submitter. Criteria: ACMG Guidelines, 2015. Collection method: clinical testing. Allele origin: germline.

CeGaT Center for Human Genetics Tuebingen
Classification: Likely benign. Last evaluated: 2023-02-01. Review status: criteria provided, single submitter. Criteria: CeGaT Center For Human Genetics Tuebingen Variant Classification Criteria Version 2. Collection method: clinical testing. Allele origin: germline. Affected: yes. Observed: 1 variant allele.
Comment: SYNE2: BP4

Illumina Laboratory Services, Illumina
Classification: Benign for Emery-Dreifuss muscular dystrophy 5, autosomal dominant. Last evaluated: 2018-01-12. Review status: criteria provided, single submitter. Criteria: ICSL Variant Classification Criteria 13 December 2019. Collection method: clinical testing. Allele origin: germline.
Comment: This variant was observed in the ICSL laboratory as part of a predisposition screen in an ostensibly healthy population. It had not been previously curated by ICSL or reported in the Human Gene Mutation Database (HGMD: prior to June 1st, 2018), and was therefore a candidate for classification through an automated scoring system. Utilizing variant allele frequency, disease prevalence and penetrance estimates, and inheritance mode, an automated score was calculated to assess if this variant is too frequent to cause the disease. Based on the score and internal cut-off values, a variant classified as benign is not then subjected to further curation. The score for this variant resulted in a classification of benign for this disease.

Eurofins Ntd Llc (ga)
Classification: Uncertain significance. Last evaluated: 2015-05-05. Review status: criteria provided, single submitter. Criteria: EGL Classification Definitions 2015. Collection method: clinical testing. Allele origin: germline. Observed: 1 variant allele, 1 heterozygote.